The following is an entry in ClinVar:

ClinVar aggregate classification (germline): Uncertain significance. Review status: criteria provided, single submitter (1 of 4 stars). 2 submissions from 2 submitters: Uncertain significance (1). 1 of the submissions does not count toward it. Last evaluated 2025-06-16.

Conditions:
GNPTG-mucolipidosis. Also called: MUCOLIPIDOSIS III, COMPLEMENTATION GROUP C; MUCOLIPIDOSIS III, IRANIAN VARIANT FORM; MUCOLIPIDOSIS III, VARIANT FORM; Mucolipidosis type III gamma; ML III GAMMA; ML IIIC. Identifiers: Orphanet 423470, Orphanet 577, MedGen C1854896, MONDO:0009652, OMIM 252605.

Allele frequency attached by ClinVar (database versions not stated): TOPMed below 0.00001; gnomAD 0.00001; gnomAD exomes 0.00001.
gnomAD v4.1: 12 of 1,548,332 alleles (0.00078%); highest among the groups gnomAD compares: Non-Finnish European, 0.00096%; no homozygotes.

Submissions (2):

Labcorp Genetics (formerly Invitae), Labcorp
Classification: Uncertain significance. Last evaluated: 2025-06-16. Review status: criteria provided, single submitter. Criteria: Invitae Variant Classification Sherloc (09022015). Collection method: clinical testing. Allele origin: germline.
Comment: This sequence change replaces leucine, which is neutral and non-polar, with phenylalanine, which is neutral and non-polar, at codon 49 of the GNPTG protein (p.Leu49Phe). This variant is present in population databases (no rsID available, gnomAD 0.002%). This variant has not been reported in the literature in individuals affected with GNPTG-related conditions. ClinVar contains an entry for this variant (Variation ID: 859695). Invitae Evidence Modeling of protein sequence and biophysical properties (such as structural, functional, and spatial information, amino acid conservation, physicochemical variation, residue mobility, and thermodynamic stability) has been performed for this missense variant. However, the output from this modeling did not meet the statistical confidence thresholds required to predict the impact of this variant on GNPTG protein function. In summary, the available evidence is currently insufficient to determine the role of this variant in disease. Therefore, it has been classified as a Variant of Uncertain Significance.

Natera, Inc.
Classification: Uncertain significance for Mucolipidosis III gamma. Last evaluated: 2021-03-02. Review status: no assertion criteria provided. Collection method: clinical testing. Allele origin: germline. Not counted in ClinVar's aggregate classification.

NM_032520.5(GNPTG):c.145C>T (p.Leu49Phe)

Gene: GNPTG (N-acetylglucosamine-1-phosphate transferase subunit gamma; plus strand). Cytogenetic location: 16p13.3.
Variant type: single nucleotide variant.
Coding change: c.145C>T on transcript NM_032520.5 (MANE Select); coding-DNA position 145, C replaced by T.
Protein change: p.Leu49Phe; replaces leucine 49 with phenylalanine.
Molecular consequence: missense variant.
Genome position (GRCh38, 1-based): chr16:1,352,273, C>T. VCF-style: chr16-1352273-C-T. GRCh37 (hg19) VCF-style: chr16-1402274-C-T.
Other names: short protein forms L49F.
Identifiers: ClinVar variation 859695 (VCV000859695.6), dbSNP rs1343539436, ClinGen allele CA394184468.
Genomic context (GRCh38, chr16:1,352,273, plus strand): 5'-CCCGCTGACCTTGCCGCTTCCCGTAGGGTGAACAACCCGTTCTTGCCTCAGGCCAGTCGC[C>T]TCCAGGCCAAGAGGGATCCTTCACCCGTGTCTGGTGAGTGAGGAGCGCTGTTGGCCGGCG-3'
Protein context (NP_115909.1, residues 39-59): NNPFLPQASR[Leu49Phe]QAKRDPSPVS